The following is an entry in ClinVar:

NM_001184.4(ATR):c.182C>A (p.Ser61Tyr)

Gene: ATR (ATR serine/threonine kinase; minus strand). Cytogenetic location: 3q23.
Variant type: single nucleotide variant.
Coding change: c.182C>A on transcript NM_001184.4 (MANE Select); coding-DNA position 182, C replaced by A.
Protein change: p.Ser61Tyr; replaces serine 61 with tyrosine.
Molecular consequence: missense variant.
Genome position (GRCh38, 1-based): chr3:142,566,231, G>T on the plus strand (C>A on the coding strand, the complement: ATR is on the minus strand). VCF-style: chr3-142566231-G-T. GRCh37 (hg19) VCF-style: chr3-142285073-G-T.
Other names: c.182C>A, p.Ser61Tyr (NM_001354579.2); short protein forms S61Y.
Identifiers: ClinVar variation 3463269 (VCV003463269.1).

ClinVar aggregate classification (germline): Uncertain significance (1 of 4 stars; one submission).

Conditions:
Inborn genetic diseases. Identifiers: MedGen C0950123, MeSH D030342.

Submission:

Ambry Genetics
Classification: Uncertain significance for Inborn genetic diseases. Last evaluated: 2024-10-29. Review status: criteria provided, single submitter. Criteria: Ambry Variant Classification Scheme 2023. Collection method: clinical testing. Allele origin: germline.
Comment: The p.S61Y variant (also known as c.182C>A), located in coding exon 3 of the ATR gene, results from a C to A substitution at nucleotide position 182. The serine at codon 61 is replaced by tyrosine, an amino acid with dissimilar properties. This amino acid position is conserved. In addition, the in silico prediction for this alteration is inconclusive. Based on the available evidence, the clinical significance of this variant remains unclear.